The following is an entry in ClinVar:

ClinVar aggregate classification (germline): Uncertain significance. Review status: criteria provided, multiple submitters, no conflicts (2 of 4 stars). 2 submissions from 2 submitters: Uncertain significance (2). Last evaluated 2026-08-04.

Conditions:
Dyskeratosis congenita, autosomal recessive 6 (DKCB6). Identifiers: MedGen C4225356, MONDO:0014600, OMIM 616353.
Pulmonary fibrosis and/or bone marrow failure, Telomere-related, 4. Also called: PULMONARY FIBROSIS AND/OR BONE MARROW FAILURE SYNDROME, TELOMERE-RELATED, 4. Identifiers: Orphanet 2032, MedGen C4225347, MONDO:0014612, OMIM 616371.
Inborn genetic diseases. Identifiers: MedGen C0950123, MeSH D030342.

Allele frequency attached by ClinVar (database versions not stated): gnomAD exomes 0.00004 and 0.00006; gnomAD 0.00003 and 0.00004; TOPMed 0.00003; ExAC 0.00005; ESP Exome Variant Server 0.00008.
gnomAD v4.1: 68 of 1,561,388 alleles (0.0044%); highest among the groups gnomAD compares: Non-Finnish European, 0.002%; no homozygotes.

Submissions (2):

Ambry Genetics
Classification: Uncertain significance for Inborn genetic diseases. Last evaluated: 2026-08-04. Review status: criteria provided, single submitter. Criteria: Ambry Variant Classification Scheme 2023. Collection method: clinical testing. Allele origin: germline.
Comment: The c.619G>A (p.G207R) alteration is located in exon 8 (coding exon 8) of the PARN gene. This alteration results from a G to A substitution at nucleotide position 619, causing the glycine (G) at amino acid position 207 to be replaced by an arginine (R). Based on data from gnomAD, the A allele has an overall frequency of 0.006% (16/259124) total alleles studied. The highest observed frequency was 0.092% (9/9802) of Ashkenazi Jewish alleles. Based on insufficient or conflicting evidence, the clinical significance of this alteration remains unclear.

Labcorp Genetics (formerly Invitae), Labcorp
Classification: Uncertain significance for Dyskeratosis congenita, autosomal recessive 6; Pulmonary fibrosis and/or bone marrow failure, Telomere-related, 4. Last evaluated: 2025-07-27. Review status: criteria provided, single submitter. Criteria: Invitae Variant Classification Sherloc (09022015). Collection method: clinical testing. Allele origin: germline.
Comment: This sequence change replaces glycine, which is neutral and non-polar, with arginine, which is basic and polar, at codon 207 of the PARN protein (p.Gly207Arg). This variant is present in population databases (rs373203553, gnomAD 0.09%). This variant has not been reported in the literature in individuals affected with PARN-related conditions. ClinVar contains an entry for this variant (Variation ID: 937448). An algorithm developed to predict the effect of missense changes on protein structure and function (PolyPhen-2) suggests that this variant is likely to be disruptive. In summary, the available evidence is currently insufficient to determine the role of this variant in disease. Therefore, it has been classified as a Variant of Uncertain Significance.

NM_002582.4(PARN):c.619G>A (p.Gly207Arg)

Gene: PARN (poly(A)-specific ribonuclease; minus strand). Cytogenetic location: 16p13.12.
Variant type: single nucleotide variant.
Coding change: c.619G>A on transcript NM_002582.4 (MANE Select); coding-DNA position 619, G replaced by A.
Protein change: p.Gly207Arg; replaces glycine 207 with arginine.
Molecular consequence: missense variant.
Genome position (GRCh38, 1-based): chr16:14,609,059, C>T on the plus strand (G>A on the coding strand, the complement: PARN is on the minus strand). VCF-style: chr16-14609059-C-T. GRCh37 (hg19) VCF-style: chr16-14702916-C-T.
Other names: c.436G>A, p.Gly146Arg (NM_001134477.3); c.481G>A, p.Gly161Arg (NM_001242992.2); short protein forms G146R, G161R, G207R.
Identifiers: ClinVar variation 937448 (VCV000937448.11), dbSNP rs373203553, ClinGen allele CA7912374.
Genomic context (GRCh38, chr16:14,609,059, plus strand): 5'-GCCACAAACCATCTACCTTTCCAAAAAAAGGACATGCAGAAATGTTCAGGACAACTAACC[C>T]GGTACATGGCTCTAAATCCAAGTTCTTGTTTTCTTCACTTTGTAATAAATCCTCTATTTT-3'
Protein context (NP_002573.1, residues 197-217): NKNLDLEPCT[Gly207Arg]FQRKLIYQTL